The following is an entry in ClinVar:

ClinVar aggregate classification (germline): Uncertain significance. Review status: criteria provided, multiple submitters, no conflicts (2 of 4 stars). 3 submissions from 3 submitters: Uncertain significance (3). Last evaluated 2025-06-30.

Conditions:
Autosomal recessive limb-girdle muscular dystrophy type 2J (LGMDR10). Also called: MUSCULAR DYSTROPHY, LIMB-GIRDLE, AUTOSOMAL RECESSIVE 10; Limb-girdle muscular dystrophy, type 2J. Identifiers: Orphanet 140922, MedGen C1837342, MONDO:0012127, OMIM 608807.
Hypertrophic cardiomyopathy 9. Also called: Familial hypertrophic cardiomyopathy 9. Identifiers: MedGen C1861065, MONDO:0013412, OMIM 613765.
Myopathy, myofibrillar, 9, with early respiratory failure (MFM9). Also called: EDSTROM MYOPATHY; MYOPATHY, PROXIMAL, WITH EARLY RESPIRATORY MUSCLE INVOLVEMENT; Myopathy, distal, with early respiratory failure, autosomal dominant; Hereditary myopathy with early respiratory failure. Identifiers: Orphanet 178464, Orphanet 34521, MedGen C1863599, MONDO:0011362, OMIM 603689.
Tibial muscular dystrophy (TMD). Also called: Tibial muscular dystrophy, tardive; UDD MYOPATHY; Udd Distal Myopathy – Tibial Muscular Dystrophy. Identifiers: Orphanet 609, MedGen C1838244, MONDO:0010870, OMIM 600334.
Early-onset myopathy with fatal cardiomyopathy (CMYO5). Also called: CONGENITAL MYOPATHY 5 WITH CARDIOMYOPATHY; Salih Myopathy. Identifiers: Orphanet 289377, MedGen C2673677, MONDO:0012714, OMIM 611705. Disease mechanism: loss of function.
Dilated cardiomyopathy 1G (CMD1G). Identifiers: Orphanet 154, MedGen C1858763, MONDO:0011400, OMIM 604145.

Allele frequency attached by ClinVar (database versions not stated): ExAC 0.00001; TOPMed 0.00002; gnomAD 0.00003; gnomAD exomes 0.00003 and below 0.00001; ESP Exome Variant Server 0.00009.
gnomAD v4.1: 42 of 1,603,434 alleles (0.0026%); highest among the groups gnomAD compares: Non-Finnish European, 0.0035%; no homozygotes.

Submissions (3):

Women's Health and Genetics/Laboratory Corporation of America, LabCorp
Classification: Uncertain significance. Last evaluated: 2025-06-30. Review status: criteria provided, single submitter. Criteria: LabCorp Variant Classification Summary - May 2015. Collection method: clinical testing. Allele origin: germline.
Comment: Variant summary: TTN c.98785T>G (p.Ser32929Ala) results in a conservative amino acid change located in the M-band region of the encoded protein sequence. Algorithms developed to predict the effect of missense changes on protein structure and function all suggest that this variant is likely to be tolerated. The variant allele was found at a frequency of 4.2e-06 in 237716 control chromosomes (gnomAD). The available data on variant occurrences in the general population are insufficient to allow any conclusion about variant significance. To our knowledge, no occurrence of c.98785T>G in individuals affected with Dilated Cardiomyopathy and no experimental evidence demonstrating its impact on protein function have been reported. ClinVar contains an entry for this variant (Variation ID: 849060). Based on the evidence outlined above, the variant was classified as uncertain significance.

Labcorp Genetics (formerly Invitae), Labcorp
Classification: Uncertain significance for Dilated cardiomyopathy 1G; Autosomal recessive limb-girdle muscular dystrophy type 2J. Last evaluated: 2022-07-12. Review status: criteria provided, single submitter. Criteria: Invitae Variant Classification Sherloc (09022015). Collection method: clinical testing. Allele origin: germline.
Comment: This sequence change replaces serine, which is neutral and polar, with alanine, which is neutral and non-polar, at codon 35497 of the TTN protein (p.Ser35497Ala). This variant is present in population databases (rs369870182, gnomAD 0.002%). This variant has not been reported in the literature in individuals affected with TTN-related conditions. ClinVar contains an entry for this variant (Variation ID: 849060). Algorithms developed to predict the effect of missense changes on protein structure and function output the following: SIFT: "Not Available"; PolyPhen-2: "Not Available"; Align-GVGD: "Not Available". The alanine amino acid residue is found in multiple mammalian species, which suggests that this missense change does not adversely affect protein function. This variant is located in the M band of TTN (PMID: 25589632). Variants in this region may be relevant for neuromuscular disorders, but have not been definitively shown to cause cardiomyopathy (PMID: 23975875). In summary, the available evidence is currently insufficient to determine the role of this variant in disease. Therefore, it has been classified as a Variant of Uncertain Significance.

Department of Pathology and Laboratory Medicine, Sinai Health System
Classification: Uncertain significance for Tibial muscular dystrophy; Myopathy, myofibrillar, 9, with early respiratory failure; Dilated cardiomyopathy 1G; Autosomal recessive limb-girdle muscular dystrophy type 2J; Early-onset myopathy with fatal cardiomyopathy; Hypertrophic cardiomyopathy 9. Last evaluated: 2021-11-04. Review status: criteria provided, single submitter. Criteria: ACMG Guidelines, 2015. Collection method: research. Allele origin: germline.

Literature cited by the submitters: PubMed 25589632 (cited by Labcorp Genetics (formerly Invitae), Labcorp); PubMed 23975875 (cited by Labcorp Genetics (formerly Invitae), Labcorp).

NM_001267550.2(TTN):c.106489T>G (p.Ser35497Ala)

Genes: TTN (titin; minus strand), TTN-AS1 (TTN antisense RNA 1; plus strand). Cytogenetic location: 2q31.2.
Variant type: single nucleotide variant.
Coding change: c.106489T>G on transcript NM_001267550.2 (MANE Select); coding-DNA position 106489, T replaced by G.
Protein change: p.Ser35497Ala; replaces serine 35497 with alanine.
Molecular consequence: missense variant.
Genome position (GRCh38, 1-based): chr2:178,530,002, A>C on the plus strand (T>G on the coding strand, the complement: TTN is on the minus strand). VCF-style: chr2-178530002-A-C. GRCh37 (hg19) VCF-style: chr2-179394729-A-C.
Other names: c.101566T>G, p.Ser33856Ala (NM_001256850.1); c.79294T>G, p.Ser26432Ala (NM_003319.4); c.98785T>G, p.Ser32929Ala (NM_133378.4); c.79669T>G, p.Ser26557Ala (NM_133432.3); c.79870T>G, p.Ser26624Ala (NM_133437.4); short protein forms S26432A, S33856A, S26624A, S35497A, S26557A, S32929A.
Identifiers: ClinVar variation 849060 (VCV000849060.8), dbSNP rs369870182, ClinGen allele CA1985098.